The following is an entry in ClinVar:

NM_001211.6(BUB1B):c.2804T>C (p.Ile935Thr)

Genes: BUB1B (BUB1 mitotic checkpoint serine/threonine kinase B; plus strand), BUB1B-PAK6 (BUB1B-PAK6 readthrough; plus strand). Cytogenetic location: 15q15.1.
Variant type: single nucleotide variant.
Coding change: c.2804T>C on transcript NM_001211.6 (MANE Select); coding-DNA position 2804, T replaced by C.
Protein change: p.Ile935Thr; replaces isoleucine 935 with threonine.
Molecular consequence: missense variant. On other transcripts: 5 prime UTR variant (2).
Genome position (GRCh38, 1-based): chr15:40,217,621, T>C. VCF-style: chr15-40217621-T-C. GRCh37 (hg19) VCF-style: chr15-40509822-T-C.
Other names: c.-247T>C (NM_001128628.3); c.-164T>C (NM_001128629.3); short protein forms I935T.
Identifiers: ClinVar variation 1796251 (VCV001796251.5), dbSNP rs2542585003, ClinGen allele CA391688044.
Genomic context (GRCh38, chr15:40,217,621, plus strand): 5'-GTGTTGACCTTAGGGTGCAGCTGGATGTTTTTACCCTCAGCGGCTTTCGGACTGTACAGA[T>C]CCTGGAAGGACAAAAGATCCTGGCTAACTGTTCTTCTCCCTACCAGGTAAGTGTAAAACA-3'
Protein context (NP_001202.5, residues 925-945): FTLSGFRTVQ[Ile935Thr]LEGQKILANC

ClinVar aggregate classification (germline): Uncertain significance. Review status: criteria provided, multiple submitters, no conflicts (2 of 4 stars). 2 submissions from 2 submitters: Uncertain significance (2). Last evaluated 2024-01-23.

Conditions:
Mosaic variegated aneuploidy syndrome 1 (MVA1). Also called: Warburton-Anyane-Yeboa syndrome. Identifiers: Orphanet 1052, MedGen C1850343, MONDO:0009759, OMIM 257300.
Inborn genetic diseases. Identifiers: MedGen C0950123, MeSH D030342.

Allele frequency attached by ClinVar (database versions not stated): gnomAD exomes below 0.00001.
gnomAD v4.1: 1 of 1,614,186 alleles (0.000062%); highest among the groups gnomAD compares: Non-Finnish European, 0.000085%; no homozygotes.

Submissions (2):

Ambry Genetics
Classification: Uncertain significance for Inborn genetic diseases. Last evaluated: 2024-01-23. Review status: criteria provided, single submitter. Criteria: Ambry Variant Classification Scheme 2023. Collection method: clinical testing. Allele origin: germline.
Comment: The p.I935T variant (also known as c.2804T>C), located in coding exon 21 of the BUB1B gene, results from a T to C substitution at nucleotide position 2804. The isoleucine at codon 935 is replaced by threonine, an amino acid with similar properties. This amino acid position is conserved. In addition, this alteration is predicted to be tolerated by in silico analysis. Since supporting evidence is limited at this time, the clinical significance of this alteration remains unclear.

Labcorp Genetics (formerly Invitae), Labcorp
Classification: Uncertain significance for Mosaic variegated aneuploidy syndrome 1. Last evaluated: 2023-11-24. Review status: criteria provided, single submitter. Criteria: Invitae Variant Classification Sherloc (09022015). Collection method: clinical testing. Allele origin: germline.
Comment: This sequence change replaces isoleucine, which is neutral and non-polar, with threonine, which is neutral and polar, at codon 935 of the BUB1B protein (p.Ile935Thr). This variant is not present in population databases (gnomAD no frequency). This variant has not been reported in the literature in individuals affected with BUB1B-related conditions. ClinVar contains an entry for this variant (Variation ID: 1796251). Algorithms developed to predict the effect of missense changes on protein structure and function output the following: SIFT: "Not Available"; PolyPhen-2: "Benign"; Align-GVGD: "Not Available". The threonine amino acid residue is found in multiple mammalian species, which suggests that this missense change does not adversely affect protein function. In summary, the available evidence is currently insufficient to determine the role of this variant in disease. Therefore, it has been classified as a Variant of Uncertain Significance.